The following is an entry in ClinVar:

NM_001134407.3(GRIN2A):c.2731A>T (p.Asn911Tyr)

Gene: GRIN2A (glutamate ionotropic receptor NMDA type subunit 2A; minus strand). Cytogenetic location: 16p13.2.
Variant type: single nucleotide variant.
Coding change: c.2731A>T on transcript NM_001134407.3 (MANE Select); coding-DNA position 2731, A replaced by T.
Protein change: p.Asn911Tyr; replaces asparagine 911 with tyrosine.
Molecular consequence: missense variant.
Genome position (GRCh38, 1-based): chr16:9,764,813, T>A on the plus strand (A>T on the coding strand, the complement: GRIN2A is on the minus strand). VCF-style: chr16-9764813-T-A. GRCh37 (hg19) VCF-style: chr16-9858670-T-A.
Other names: c.2731A>T, p.Asn911Tyr (NM_000833.5, NM_001134408.2); short protein forms N911Y.
Identifiers: ClinVar variation 1801079 (VCV001801079.4), dbSNP rs2505971800, ClinGen allele CA394709475.
Genomic context (GRCh38, chr16:9,764,813, plus strand): 5'-TGAGGGAACCTCTTTGGATGAAGTCAGCAGCTCTTTTGGGTGAGTCCATTCTTGAGGAGT[T>A]CATGTTGGACATGCTGGAAATGTTTTTGGCTGACCGGAGGAGTTTTAACATGTTGCTCTG-3'
Protein context (NP_001127879.1, residues 901-921): AKNISSMSNM[Asn911Tyr]SSRMDSPKRA

ClinVar aggregate classification (germline): Uncertain significance. Review status: criteria provided, multiple submitters, no conflicts (2 of 4 stars). 2 submissions from 2 submitters: Uncertain significance (2). Last evaluated 2024-08-26.

Conditions:
Landau-Kleffner syndrome (FESD). Also called: EPILEPSY, FOCAL, WITH SPEECH DISORDER AND WITH OR WITHOUT MENTAL RETARDATION; APHASIA, ACQUIRED, WITH EPILEPSY. Identifiers: Orphanet 1945, Orphanet 725, Orphanet 98818, MedGen C0282512, MONDO:0009509, OMIM 245570.

Allele frequency attached by ClinVar (database versions not stated): gnomAD exomes below 0.00001.
gnomAD v4.1: 1 of 1,614,190 alleles (0.000062%); highest among the groups gnomAD compares: Admixed American, 0.0017%; no homozygotes.

Submissions (2):

Labcorp Genetics (formerly Invitae), Labcorp
Classification: Uncertain significance for Landau-Kleffner syndrome. Last evaluated: 2024-08-26. Review status: criteria provided, single submitter. Criteria: Invitae Variant Classification Sherloc (09022015). Collection method: clinical testing. Allele origin: germline.
Comment: This sequence change replaces asparagine, which is neutral and polar, with tyrosine, which is neutral and polar, at codon 911 of the GRIN2A protein (p.Asn911Tyr). This variant is not present in population databases (gnomAD no frequency). This variant has not been reported in the literature in individuals affected with GRIN2A-related conditions. ClinVar contains an entry for this variant (Variation ID: 1801079). Invitae Evidence Modeling of protein sequence and biophysical properties (such as structural, functional, and spatial information, amino acid conservation, physicochemical variation, residue mobility, and thermodynamic stability) indicates that this missense variant is not expected to disrupt GRIN2A protein function with a negative predictive value of 95%. In summary, the available evidence is currently insufficient to determine the role of this variant in disease. Therefore, it has been classified as a Variant of Uncertain Significance.

GeneDx
Classification: Uncertain significance. Last evaluated: 2024-01-24. Review status: criteria provided, single submitter. Criteria: GeneDx Variant Classification Process June 2021. Collection method: clinical testing. Allele origin: germline.
Comment: Not observed at significant frequency in large population cohorts (gnomAD); In silico analysis supports that this missense variant has a deleterious effect on protein structure/function; Has not been previously published as pathogenic or benign to our knowledge; This variant is associated with the following publications: (PMID: 27839871)